The following is an entry in ClinVar:

ClinVar aggregate classification (germline): Uncertain significance (1 of 4 stars; one submission).

Conditions:
Granulomatous disease, chronic, X-linked. Also called: GRANULOMATOUS DISEASE, CHRONIC, X-LINKED, SOMATIC MOSAIC; CYTOCHROME b-NEGATIVE GRANULOMATOUS DISEASE, CHRONIC, X-LINKED. Identifiers: Orphanet 379, MedGen C1844376, MONDO:0010600, OMIM 306400.

gnomAD v4.1: 1 of 1,210,908 alleles (0.000083%); highest among the groups gnomAD compares: Middle Eastern, 0.023%; no homozygotes.

Submission:

Labcorp Genetics (formerly Invitae), Labcorp
Classification: Uncertain significance for Granulomatous disease, chronic, X-linked. Last evaluated: 2025-07-08. Review status: criteria provided, single submitter. Criteria: Invitae Variant Classification Sherloc (09022015). Collection method: clinical testing. Allele origin: germline.
Comment: This sequence change replaces glutamic acid, which is acidic and polar, with glycine, which is neutral and non-polar, at codon 375 of the CYBB protein (p.Glu375Gly). This variant is not present in population databases (gnomAD no frequency). This variant has not been reported in the literature in individuals affected with CYBB-related conditions. Invitae Evidence Modeling of protein sequence and biophysical properties (such as structural, functional, and spatial information, amino acid conservation, physicochemical variation, residue mobility, and thermodynamic stability) indicates that this missense variant is not expected to disrupt CYBB protein function with a negative predictive value of 80%. In summary, the available evidence is currently insufficient to determine the role of this variant in disease. Therefore, it has been classified as a Variant of Uncertain Significance.

NM_000397.4(CYBB):c.1124A>G (p.Glu375Gly)

Gene: CYBB (cytochrome b-245 beta chain; plus strand). Cytogenetic location: Xp11.4.
Variant type: single nucleotide variant.
Coding change: c.1124A>G on transcript NM_000397.4 (MANE Select); coding-DNA position 1124, A replaced by G.
Protein change: p.Glu375Gly; replaces glutamic acid 375 with glycine.
Molecular consequence: missense variant.
Genome position (GRCh38, 1-based): chrX:37,804,103, A>G. VCF-style: chrX-37804103-A-G. GRCh37 (hg19) VCF-style: chrX-37663356-A-G.
Other names: short protein forms E375G.
Identifiers: ClinVar variation 4811998 (VCV004811998.1).